The following is an entry in ClinVar:

ClinVar aggregate classification (germline): Pathogenic (1 of 4 stars; one submission).

Submission:

GeneDx
Classification: Pathogenic. Last evaluated: 2015-10-16. Review status: criteria provided, single submitter. Criteria: GeneDx Variant Classification (06012015). Collection method: clinical testing. Allele origin: germline. Affected: yes.
Comment: c.1044delG: p.Trp348Ter in exon 3 in the CHAMP1 gene (NM_001164144.1). The normal sequence with the base that is deleted in braces is: CTTG{G}AAAC. The c.1044delG pathogenic variant in the CHAMP1 gene has not been reported previously as a pathogenic variant nor as a benign variant, to our knowledge. The c.1044delG variant changes codon Tryptophan 348 to a premature Stop codon, denoted p.Trp348Ter. This variant is predicted to cause loss of normal protein function through protein truncation. Protein truncating variants downstream of this variant have been reported in association with intellectual disability (Hempel et al., 2015), supporting the pathogenicity of more upstream truncating variants. The c.1044delG variant was not observed in approximately 6,500 individuals of European and African American ancestry in the NHLBI Exome Sequencing Project, indicating it is not a common benign variant in these populations. We interpret c.1044delG as a pathogenic variant. This variant has been observed de novo with confirmed parentage.

Literature cited by the submitters: PubMed 26340335.

NM_032436.4(CHAMP1):c.1044del (p.Pro347_Trp348insTer)

Gene: CHAMP1 (chromosome alignment maintaining phosphoprotein 1; plus strand). Cytogenetic location: 13q34.
Variant type: Deletion.
Coding change: c.1044del on transcript NM_032436.4 (MANE Select); coding-DNA position 1044, one base deleted (G; older notation c.1044delG).
Protein change: p.Pro347_Trp348insTer.
Molecular consequence: nonsense.
Genome position (GRCh38, 1-based): chr13:114,324,886, G deleted; the last of 2 consecutive G bases (chr13:114,324,885-114,324,886); deleting either gives the same sequence. VCF-style (leftmost placement, unchanged base first): chr13-114324884-TG-T. GRCh37 (hg19) VCF-style: chr13-115090359-TG-T.
Other names: c.1044del, p.Pro347_Trp348insTer (NM_001164144.3, NM_001164145.3).
Identifiers: ClinVar variation 217908 (VCV000217908.1), dbSNP rs863225076, ClinGen allele CA325479.